The following is an entry in ClinVar:

ClinVar aggregate classification (germline): Uncertain significance (1 of 4 stars; one submission).

Allele frequency attached by ClinVar (database versions not stated): TOPMed 0.00002; gnomAD 0.00005.
gnomAD v4.1: 32 of 1,614,084 alleles (0.002%); highest among the groups gnomAD compares: African/African-American, 0.0053%; 1 homozygote.

Submission:

Labcorp Genetics (formerly Invitae), Labcorp
Classification: Uncertain significance. Last evaluated: 2025-12-20. Review status: criteria provided, single submitter. Criteria: Invitae Variant Classification Sherloc (09022015). Collection method: clinical testing. Allele origin: germline.
Comment: This sequence change replaces arginine, which is basic and polar, with tryptophan, which is neutral and slightly polar, at codon 596 of the TNFAIP3 protein (p.Arg596Trp). This variant is present in population databases (rs536079833, gnomAD 0.005%). This variant has not been reported in the literature in individuals affected with TNFAIP3-related conditions. ClinVar contains an entry for this variant (Variation ID: 2062636). Invitae Evidence Modeling of protein sequence and biophysical properties (such as structural, functional, and spatial information, amino acid conservation, physicochemical variation, residue mobility, and thermodynamic stability) indicates that this missense variant is not expected to disrupt TNFAIP3 protein function with a negative predictive value of 80%. In summary, the available evidence is currently insufficient to determine the role of this variant in disease. Therefore, it has been classified as a Variant of Uncertain Significance.

NM_001270508.2(TNFAIP3):c.1786C>T (p.Arg596Trp)

Gene: TNFAIP3 (TNF alpha induced protein 3; plus strand). Cytogenetic location: 6q23.3.
Variant type: single nucleotide variant.
Coding change: c.1786C>T on transcript NM_001270508.2 (MANE Select); coding-DNA position 1786, C replaced by T.
Protein change: p.Arg596Trp; replaces arginine 596 with tryptophan.
Molecular consequence: missense variant.
Genome position (GRCh38, 1-based): chr6:137,879,231, C>T. VCF-style: chr6-137879231-C-T. GRCh37 (hg19) VCF-style: chr6-138200368-C-T.
Other names: c.1786C>T, p.Arg596Trp (NM_001270507.2, NM_006290.4); short protein forms R596W.
Identifiers: ClinVar variation 2062636 (VCV002062636.4), dbSNP rs536079833, ClinGen allele CA4019704.
Genomic context (GRCh38, chr6:137,879,231, plus strand): 5'-CCGCATTCTTGCCACAGAGCTGGAAACGACGCCCCTGCTGGCTGCCTGTCTCAAGCTGCA[C>T]GGACTCCTGGGGACAGGACGGGGACGAGCAAGTGCAGAAAAGCCGGCTGCGTGTATTTTG-3'
Protein context (NP_001257437.1, residues 586-606): APAGCLSQAA[Arg596Trp]TPGDRTGTSK